The following is an entry in ClinVar:

NM_000543.5(SMPD1):c.618C>T (p.Leu206=)

Gene: SMPD1 (sphingomyelin phosphodiesterase 1; plus strand). Cytogenetic location: 11p15.4.
Variant type: single nucleotide variant.
Coding change: c.618C>T on transcript NM_000543.5 (MANE Select); coding-DNA position 618, C replaced by T.
Protein change: p.Leu206=; no amino-acid change (leucine 206 retained).
Molecular consequence: synonymous variant. On other transcripts: 5 prime UTR variant (1), non-coding transcript variant (1).
Genome position (GRCh38, 1-based): chr11:6,391,683, C>T. VCF-style: chr11-6391683-C-T. GRCh37 (hg19) VCF-style: chr11-6412913-C-T.
Other names: c.615C>T, p.Leu205= (NM_001007593.3); c.618C>T, p.Leu206= (NM_001318087.2, NM_001365135.2); c.-344C>T (NM_001318088.2).
Identifiers: ClinVar variation 729982 (VCV000729982.14), dbSNP rs776180872, ClinGen allele CA5852649.
Genomic context (GRCh38, chr11:6,391,683, plus strand): 5'-GCCCCCCAAACCCCCTAGCCCCCCAGCCCCAGGTGCCCCTGTCAGCCGCATCCTCTTCCT[C>T]ACTGACCTGCACTGGGATCATGACTACCTGGAGGGCACGGACCCTGACTGTGCAGACCCA-3'
Protein context (NP_000534.3, residues 196-216): PGAPVSRILF[Leu206=]TDLHWDHDYL

ClinVar aggregate classification (germline): Likely benign. Review status: criteria provided, multiple submitters, no conflicts (2 of 4 stars). 4 submissions from 4 submitters: Likely benign (3). 1 of the submissions does not count toward it. Last evaluated 2026-03-09.

Conditions:
Inborn genetic diseases. Identifiers: MedGen C0950123, MeSH D030342.
Niemann-Pick disease, type A. Also called: Infantile Neurovisceral ASMD (Niemann-Pick Disease Type A; NPD-A); SPHINGOMYELIN LIPIDOSIS; SPHINGOMYELINASE DEFICIENCY. Identifiers: Orphanet 77292, MedGen C0268242, MONDO:0009756, OMIM 257200. Disease mechanism: loss of function.
Niemann-Pick disease, type B. Also called: Chronic Visceral ASMD (Niemann-Pick Disease Type B; NPD-B). Identifiers: Orphanet 77293, MedGen C0268243, MONDO:0011871, OMIM 607616. Disease mechanism: loss of function.
Sphingomyelin/cholesterol lipidosis. Also called: Niemann-Pick disease. Identifiers: MedGen C0028064, MONDO:0001982.
SMPD1-related disorder. Also called: SMPD1-related condition.

Allele frequency attached by ClinVar (database versions not stated): gnomAD 0.00001; gnomAD exomes 0.00001 and 0.00005; TOPMed 0.00003; ExAC 0.00005.

Submissions (4):

Ambry Genetics
Classification: Likely benign for Inborn genetic diseases. Last evaluated: 2026-03-09. Review status: criteria provided, single submitter. Criteria: Ambry Variant Classification Scheme 2023. Collection method: clinical testing. Allele origin: germline.

Labcorp Genetics (formerly Invitae), Labcorp
Classification: Likely benign for Niemann-Pick disease, type B; Niemann-Pick disease, type A. Last evaluated: 2026-01-22. Review status: criteria provided, single submitter. Criteria: Invitae Variant Classification Sherloc (09022015). Collection method: clinical testing. Allele origin: germline.

PreventionGenetics, part of Exact Sciences
Classification: Likely benign for SMPD1-related condition. Last evaluated: 2025-07-22. Review status: criteria provided, single submitter. Criteria: ACMG Guidelines, 2015. Collection method: clinical testing. Allele origin: germline.
Comment: This variant is classified as likely benign based on ACMG/AMP sequence variant interpretation guidelines (Richards et al. 2015 PMID: 25741868, with internal and published modifications).

Natera, Inc.
Classification: Likely benign for Acid sphingomyelinase deficiency. Last evaluated: 2020-09-16. Review status: no assertion criteria provided. Collection method: clinical testing. Allele origin: germline. Not counted in ClinVar's aggregate classification.